The following is an entry in ClinVar:

NM_000384.3(APOB):c.8309C>T (p.Thr2770Ile)

Gene: APOB (apolipoprotein B; minus strand). Cytogenetic location: 2p24.1.
Variant type: single nucleotide variant.
Coding change: c.8309C>T on transcript NM_000384.3 (MANE Select); coding-DNA position 8309, C replaced by T.
Protein change: p.Thr2770Ile; replaces threonine 2770 with isoleucine.
Molecular consequence: missense variant.
Genome position (GRCh38, 1-based): chr2:21,008,559, G>A on the plus strand (C>T on the coding strand, the complement: APOB is on the minus strand). VCF-style: chr2-21008559-G-A. GRCh37 (hg19) VCF-style: chr2-21231431-G-A.
Other names: short protein forms T2770I.
Identifiers: ClinVar variation 544091 (VCV000544091.19), dbSNP rs138391809, ClinGen allele CA065511.

ClinVar aggregate classification (germline): Likely benign. Review status: criteria provided, multiple submitters, no conflicts (2 of 4 stars). 3 submissions from 3 submitters: Likely benign (3). Last evaluated 2025-11-17.

Conditions:
Cardiovascular phenotype. Identifiers: MedGen CN230736.
Familial hypobetalipoproteinemia 1. Also called: Hypobetalipoproteinemia, normotriglyceridemic; Acanthocytosis with hypobetalipoproteinemia; APOB-Related Familial Hypobetalipoproteinemia. Identifiers: MedGen C4551990, MONDO:0014252, OMIM 615558.
Hypercholesterolemia, autosomal dominant, type B (FHCL2). Also called: Familial hypercholesterolemia 2; APOB-Related Familial Hypercholesterolemia, Autosomal Dominant; HYPERCHOLESTEROLEMIA, FAMILIAL, DUE TO LIGAND-DEFECTIVE APOLIPOPROTEIN B; Hyperlipoproteinemia Type IIb; Familial Hypercholesterolemia Type B; APOLIPOPROTEIN B-100, FAMILIAL DEFECTIVE. Identifiers: MedGen C1704417, MONDO:0007751, OMIM 144010.

Allele frequency attached by ClinVar (database versions not stated): gnomAD exomes 0.00004 and 0.00010; ExAC 0.00014; ESP Exome Variant Server 0.00031; gnomAD 0.00035 and 0.00036; TOPMed 0.00035; 1000 Genomes Project 30x 0.00047; 1000 Genomes Project 0.00060.
gnomAD v4.1: 114 of 1,614,094 alleles (0.0071%); highest among the groups gnomAD compares: African/African-American, 0.1%; no homozygotes.

Submissions (3):

Labcorp Genetics (formerly Invitae), Labcorp
Classification: Likely benign for Familial hypobetalipoproteinemia 1; Hypercholesterolemia, autosomal dominant, type B. Last evaluated: 2025-11-17. Review status: criteria provided, single submitter. Criteria: Invitae Variant Classification Sherloc (09022015). Collection method: clinical testing. Allele origin: germline.

Ambry Genetics
Classification: Likely benign for Cardiovascular phenotype. Last evaluated: 2020-03-12. Review status: criteria provided, single submitter. Criteria: Ambry Variant Classification Scheme 2023. Collection method: clinical testing. Allele origin: germline.

Laboratory for Molecular Medicine, Mass General Brigham Personalized Medicine
Classification: Likely benign. Last evaluated: 2017-12-04. Review status: criteria provided, single submitter. Criteria: ACMG Guidelines, 2015. Collection method: clinical testing. Allele origin: germline.
Comment: p.Thr2770Ile in exon 26 of APOB: This variant is not expected to have clinical significance due to a lack of conservation across species, including mammals. Of note, 13 species have an Ile at this position despite high nearby amino acid conservation. In addition, computational prediction tools do not suggest a high likelihood of impact to the protein. It has also been identified in 0.1% (27/24032) of African chromosomes by the Genome Aggregation Database (gnomAD; drs138391809). ACMG/AMP Criteria applied: BP4_S